The following is an entry in ClinVar:

NM_012479.4(YWHAG):c.537C>G (p.Tyr179Ter)

Gene: YWHAG (tyrosine 3-monooxygenase/tryptophan 5-monooxygenase activation protein gamma; minus strand). Cytogenetic location: 7q11.23.
Variant type: single nucleotide variant.
Coding change: c.537C>G on transcript NM_012479.4 (MANE Select); coding-DNA position 537, C replaced by G.
Protein change: p.Tyr179Ter; replaces tyrosine 179 with a stop codon.
Molecular consequence: nonsense.
Genome position (GRCh38, 1-based): chr7:76,329,784, G>C on the plus strand (C>G on the coding strand, the complement: YWHAG is on the minus strand). VCF-style: chr7-76329784-G-C. GRCh37 (hg19) VCF-style: chr7-75959101-G-C.
Other names: short protein forms Y179*.
Identifiers: ClinVar variation 3725513 (VCV003725513.2).
Genomic context (GRCh38, chr7:76,329,784, plus strand): 5'-GGTCTTGGCCAAGTGGCACGCTTGCTCTGGGGCGTTCTGGATCTCATAGTAGAAGACGGA[G>C]TAGTTAAGAGCCAGGCCTAATCGGATGGGGTGGGTGGGCTGCATGTGCTCTTTGCTGATC-3'

ClinVar aggregate classification (germline): Pathogenic (1 of 4 stars; one submission).

Submission:

Labcorp Genetics (formerly Invitae), Labcorp
Classification: Pathogenic. Last evaluated: 2024-11-18. Review status: criteria provided, single submitter. Criteria: Invitae Variant Classification Sherloc (09022015). Collection method: clinical testing. Allele origin: germline.
Comment: This sequence change creates a premature translational stop signal (p.Tyr179*) in the YWHAG gene. While this is not anticipated to result in nonsense mediated decay, it is expected to disrupt the last 69 amino acid(s) of the YWHAG protein. This variant is not present in population databases (gnomAD no frequency). This variant has not been reported in the literature in individuals affected with YWHAG-related conditions. This variant disrupts a region of the YWHAG protein in which other variant(s) (p.Glu207Lys) have been determined to be pathogenic (PMID: 33393734). This suggests that this is a clinically significant region of the protein, and that variants that disrupt it are likely to be disease-causing. For these reasons, this variant has been classified as Pathogenic.

Literature cited by the submitters: PubMed 33393734.